The following is an entry in ClinVar:

NM_001166108.2(PALLD):c.218C>A (p.Ala73Glu)

Gene: PALLD (palladin, cytoskeletal associated protein; plus strand). Cytogenetic location: 4q32.3.
Variant type: single nucleotide variant.
Coding change: c.218C>A on transcript NM_001166108.2 (MANE Select); coding-DNA position 218, C replaced by A.
Protein change: p.Ala73Glu; replaces alanine 73 with glutamic acid.
Molecular consequence: missense variant.
Genome position (GRCh38, 1-based): chr4:168,511,722, C>A. VCF-style: chr4-168511722-C-A. GRCh37 (hg19) VCF-style: chr4-169432873-C-A.
Other names: c.218C>A, p.Ala73Glu (NM_016081.4); short protein forms A73E.
Identifiers: ClinVar variation 1787393 (VCV001787393.2), dbSNP rs2531429381, ClinGen allele CA358725051.
Genomic context (GRCh38, chr4:168,511,722, plus strand): 5'-CCGAAACAGAAGATTTTGACTCGGAAAAGGAGATCTCGCAGATTTTCAGTACTTCTCCTG[C>A]AAGCCTCTGTGAACATCCTTCCCATAAGGAGACCAAATTGGGTGAACACGCCTCGAGGAG-3'
Protein context (NP_001159580.1, residues 63-83): EISQIFSTSP[Ala73Glu]SLCEHPSHKE

ClinVar aggregate classification (germline): Uncertain significance (1 of 4 stars; one submission).

Submission:

Ambry Genetics
Classification: Uncertain significance. Last evaluated: 2022-08-08. Review status: criteria provided, single submitter. Criteria: Ambry Variant Classification Scheme 2023. Collection method: clinical testing. Allele origin: germline.
Comment: The p.A73E variant (also known as c.218C>A), located in coding exon 1 of the PALLD gene, results from a C to A substitution at nucleotide position 218. The alanine at codon 73 is replaced by glutamic acid, an amino acid with dissimilar properties. This amino acid position is conserved. In addition, this alteration is predicted to be tolerated by in silico analysis. Since supporting evidence is limited at this time, the clinical significance of this alteration remains unclear.